The following is an entry in ClinVar:

ClinVar aggregate classification (germline): Conflicting classifications of pathogenicity. Review status: criteria provided, conflicting classifications (1 of 4 stars). 4 submissions from 4 submitters: Likely pathogenic (1); Uncertain significance (2). 1 of the submissions does not count toward it. Last evaluated 2025-09-12.

Conditions:
Congenital disorder of glycosylation (CDG). Also called: Carbohydrate-deficient glycoprotein syndrome; Congenital disorders of glycosylation. Identifiers: Orphanet 137, MedGen C0282577, MONDO:0015286.
ALG1-congenital disorder of glycosylation. Also called: CONGENITAL DISORDER OF GLYCOSYLATION, TYPE Ik; CDG Ik; ALG1-CDG. Identifiers: Orphanet 79327, MedGen C2931005, MONDO:0012052, OMIM 608540.

Allele frequency attached by ClinVar (database versions not stated): TOPMed 0.00003; gnomAD 0.00004.

Submissions (4):

Women's Health and Genetics/Laboratory Corporation of America, LabCorp
Classification: Uncertain significance. Last evaluated: 2025-09-12. Review status: criteria provided, single submitter. Criteria: LabCorp Variant Classification Summary - May 2015. Collection method: clinical testing. Allele origin: germline.
Comment: Variant summary: ALG1 c.1072G>C (p.Gly358Arg) results in a non-conservative amino acid change in the encoded protein sequence. Algorithms developed to predict the effect of missense changes on protein structure and function all suggest that this variant is likely to be disruptive. Several computational tools predict a significant impact on normal splicing: One predicts the variant abolishes a 5' splicing donor site. Three predict the variant weakens a 5' donor site. However, these predictions have yet to be confirmed by functional studies. The variant was absent in 232208 control chromosomes. The available data on variant occurrences in the general population are insufficient to allow any conclusion about variant significance. c.1072G>C has been observed in the presumed compound heterozygous state in at least 1 individual(s) affected with clinical features of ALG1-congenital disorder of glycosylation (Ng_2016). These data do not allow any conclusion about variant significance. At least one publication reports experimental evidence evaluating an impact on protein function (Ng_2016), however, does not allow convincing conclusions about the variant effect. The following publication has been ascertained in the context of this evaluation (PMID: 26931382). ClinVar contains an entry for this variant (Variation ID: 283933). Based on the evidence outlined above, the variant was classified as uncertain significance.

Fulgent Genetics
Classification: Likely pathogenic for ALG1-congenital disorder of glycosylation. Last evaluated: 2024-06-06. Review status: criteria provided, single submitter. Criteria: ACMG Guidelines, 2015. Collection method: clinical testing. Allele origin: germline.

Eurofins Ntd Llc (ga)
Classification: Uncertain significance. Last evaluated: 2015-11-23. Review status: criteria provided, single submitter. Criteria: EGL Classification Definitions 2015. Collection method: clinical testing. Allele origin: germline. Observed: 2 variant alleles, 2 heterozygotes.

University of Washington Center for Mendelian Genomics, University of Washington
Classification: Likely pathogenic for Congenital disorder of glycosylation. Last evaluated: 2017-05-25. Review status: no assertion criteria provided. Collection method: research. Allele origin: unknown. Affected: yes. Not counted in ClinVar's aggregate classification.

Literature cited by the submitters: PubMed 26931382 (cited by Women's Health and Genetics/Laboratory Corporation of America, LabCorp and University of Washington Center for Mendelian Genomics, University of Washington).

NM_019109.5(ALG1):c.1072G>C (p.Gly358Arg)

Gene: ALG1 (ALG1 chitobiosyldiphosphodolichol beta-mannosyltransferase; plus strand). Cytogenetic location: 16p13.3.
Variant type: single nucleotide variant.
Coding change: c.1072G>C on transcript NM_019109.5 (MANE Select); coding-DNA position 1072, G replaced by C.
Protein change: p.Gly358Arg; replaces glycine 358 with arginine.
Molecular consequence: missense variant.
Genome position (GRCh38, 1-based): chr16:5,081,056, G>C. VCF-style: chr16-5081056-G-C. GRCh37 (hg19) VCF-style: chr16-5131057-G-C.
Other names: c.739G>C, p.Gly247Arg (NM_001330504.2); short protein forms G358R, G247R.
Identifiers: ClinVar variation 283933 (VCV000283933.8), dbSNP rs886042742, ClinGen allele CA10604629.